The following is an entry in ClinVar:

NM_000256.3(MYBPC3):c.1842C>A (p.Tyr614Ter)

Gene: MYBPC3 (myosin binding protein C3; minus strand). Cytogenetic location: 11p11.2.
Variant type: single nucleotide variant.
Coding change: c.1842C>A on transcript NM_000256.3 (MANE Select); coding-DNA position 1842, C replaced by A.
Protein change: p.Tyr614Ter; replaces tyrosine 614 with a stop codon.
Molecular consequence: nonsense.
Genome position (GRCh38, 1-based): chr11:47,341,193, G>T on the plus strand (C>A on the coding strand, the complement: MYBPC3 is on the minus strand). VCF-style: chr11-47341193-G-T. GRCh37 (hg19) VCF-style: chr11-47362744-G-T.
Other names: short protein forms Y614*.
Identifiers: ClinVar variation 3915208 (VCV003915208.1).

ClinVar aggregate classification (germline): Pathogenic (1 of 4 stars; one submission).

Conditions:
Cardiovascular phenotype. Identifiers: MedGen CN230736.

Submission:

Ambry Genetics
Classification: Pathogenic for Cardiovascular phenotype. Last evaluated: 2025-03-31. Review status: criteria provided, single submitter. Criteria: Ambry Variant Classification Scheme 2023. Collection method: clinical testing. Allele origin: germline.
Comment: The p.Y614* pathogenic mutation (also known as c.1842C>A), located in coding exon 19 of the MYBPC3 gene, results from a C to A substitution at nucleotide position 1842. This changes the amino acid from a tyrosine to a stop codon within coding exon 19. This variant is considered to be rare based on population cohorts in the Genome Aggregation Database (gnomAD). This alteration is expected to result in loss of function by premature protein truncation or nonsense-mediated mRNA decay. As such, this alteration is interpreted as a disease-causing mutation.